The following is an entry in ClinVar:

NM_020457.3(THAP11):c.321_332dup (p.Gln132_Ser133insGlnGlnGlnGln)

Genes: CENPT (centromere protein T; minus strand), THAP11 (THAP domain containing 11; plus strand). Cytogenetic location: 16q22.1.
Variant type: Duplication.
Coding change: c.321_332dup on transcript NM_020457.3 (MANE Select); coding-DNA positions 321 to 332, 12 bases duplicated (ACAGCAGCAGCA).
Protein change: p.Gln132_Ser133insGlnGlnGlnGln.
Molecular consequence: intron variant (on NM_025082.4).
Genome position (GRCh38, 1-based): chr16:67,842,875-67,842,886, ACAGCAGCAGCA duplicated; duplicating any 12 consecutive bases within chr16:67,842,864-67,842,886 gives the same sequence; the c. name uses the placement nearest the transcript's 3' end. VCF-style (leftmost placement, unchanged base first): chr16-67842863-G-GCAGCAGCAGCAA. GRCh37 (hg19) VCF-style: chr16-67876766-G-GCAGCAGCAGCAA.
Other names: c.-492+4526_-492+4537dup (NM_025082.4).
Identifiers: ClinVar variation 3668118 (VCV003668118.2).
Genomic context (GRCh38, chr16:67,842,863, plus strand): 5'-CGGCGTCAATGAGCGCAAAGTAGCGCGCAGACCCGCTGGGGCCGCGGCCGCCCGCCGCAG[G>GCAGCAGCAGCAA]CAGCAGCAGCAACAGCAGCAGCAGCAGCAACAGCAGCAACAGCAGCAGCAGCAGCAACAG-3'

ClinVar aggregate classification (germline): Uncertain significance (1 of 4 stars; one submission).

Submission:

Labcorp Genetics (formerly Invitae), Labcorp
Classification: Uncertain significance. Last evaluated: 2024-06-18. Review status: criteria provided, single submitter. Criteria: Invitae Variant Classification Sherloc (09022015). Collection method: clinical testing. Allele origin: germline.
Comment: This variant, c.321_332dup, results in the insertion of 4 amino acid(s) of the THAP11 protein (p.Gln129_Gln132dup), but otherwise preserves the integrity of the reading frame. The frequency data for this variant in the population databases is considered unreliable, as metrics indicate poor data quality at this position in the gnomAD database. This variant has not been reported in the literature in individuals affected with THAP11-related conditions. In summary, the available evidence is currently insufficient to determine the role of this variant in disease. Therefore, it has been classified as a Variant of Uncertain Significance.